The following is an entry in ClinVar:

NM_017617.5(NOTCH1):c.1940G>C (p.Ser647Thr)

Gene: NOTCH1 (notch receptor 1; minus strand). Cytogenetic location: 9q34.3.
Variant type: single nucleotide variant.
Coding change: c.1940G>C on transcript NM_017617.5 (MANE Select); coding-DNA position 1940, G replaced by C.
Protein change: p.Ser647Thr; replaces serine 647 with threonine.
Molecular consequence: missense variant.
Genome position (GRCh38, 1-based): chr9:136,515,364, C>G on the plus strand (G>C on the coding strand, the complement: NOTCH1 is on the minus strand). VCF-style: chr9-136515364-C-G. GRCh37 (hg19) VCF-style: chr9-139409816-C-G.
Other names: short protein forms S647T.
Identifiers: ClinVar variation 4998203 (VCV004998203.1).

ClinVar aggregate classification (germline): Uncertain significance (1 of 4 stars; one submission).

Conditions:
NOTCH1-related disorder. Also called: NOTCH1-related condition; NOTCH1-related disorders.

gnomAD v4.1: 1 of 1,613,060 alleles (0.000062%); highest among the groups gnomAD compares: Non-Finnish European, 0.000085%; no homozygotes.

Submission:

PreventionGenetics, part of Exact Sciences
Classification: Uncertain significance for NOTCH1-related condition. Last evaluated: 2025-03-18. Review status: criteria provided, single submitter. Criteria: ACMG Guidelines, 2015. Collection method: clinical testing. Allele origin: germline.
Comment: The NOTCH1 c.1940G>C variant is predicted to result in the amino acid substitution p.Ser647Thr. To our knowledge, this variant has not been reported in the literature or in a large population database (gnomAD), indicating this variant is rare. At this time, the clinical significance of this variant is uncertain due to the absence of conclusive functional and genetic evidence.